The following is an entry in ClinVar:

ClinVar aggregate classification (germline): Likely pathogenic (1 of 4 stars; one submission).

Submission:

GeneDx
Classification: Likely pathogenic. Last evaluated: 2023-04-21. Review status: criteria provided, single submitter. Criteria: GeneDx Variant Classification Process June 2021. Collection method: clinical testing. Allele origin: germline. Affected: yes.
Comment: Frameshift variant predicted to result in protein truncation as the last 28 amino acids are replaced with 2 different amino acids, although loss-of-function variants have not been reported downstream of this position in the protein; Not observed at significant frequency in large population cohorts (gnomAD); Has not been previously published as pathogenic or benign to our knowledge

NM_173495.3(PTCHD1):c.2582dup (p.Asn861fs)

Gene: PTCHD1 (patched domain containing 1; plus strand). Cytogenetic location: Xp22.11.
Variant type: Duplication.
Coding change: c.2582dup on transcript NM_173495.3 (MANE Select); coding-DNA position 2582, one base duplicated (A; older notation c.2582dupA).
Protein change: p.Asn861fs; shifts the reading frame from asparagine 861.
Molecular consequence: frameshift variant.
Genome position (GRCh38, 1-based): chrX:23,394,100, A duplicated; the last of 5 consecutive A bases (chrX:23,394,096-23,394,100); duplicating any one gives the same sequence. VCF-style (leftmost placement, unchanged base first): chrX-23394095-G-GA. GRCh37 (hg19) VCF-style: chrX-23412212-G-GA.
Other names: short protein forms N861fs.
Identifiers: ClinVar variation 2499957 (VCV002499957.1), dbSNP rs2518767828, ClinGen allele CA2580100502.
Genomic context (GRCh38, chrX:23,394,095, plus strand): 5'-TGCCATTTTACCTGTGATACTGACTTTCCTGCCACCCTCTAAGAAAAAAAGGAAAGAGAA[G>GA]AAAAATCCTGAGAACCGGGAGGAAATTGAGTGTGTAGAAATGGTAGATATCGATAGTACC-3'